The following is an entry in ClinVar:

ClinVar aggregate classification (germline): Uncertain significance. Review status: criteria provided, multiple submitters, no conflicts (2 of 4 stars). 2 submissions from 2 submitters: Uncertain significance (2). Last evaluated 2025-07-07.

Conditions:
Inborn genetic diseases. Identifiers: MedGen C0950123, MeSH D030342.

Submissions (2):

Ambry Genetics
Classification: Uncertain significance for Inborn genetic diseases. Last evaluated: 2025-07-07. Review status: criteria provided, single submitter. Criteria: Ambry Variant Classification Scheme 2023. Collection method: clinical testing. Allele origin: germline.
Comment: The p.Y1700H variant (also known as c.5098T>C), located in coding exon 34 of the ANKRD26 gene, results from a T to C substitution at nucleotide position 5098. The tyrosine at codon 1700 is replaced by histidine, an amino acid with similar properties. This amino acid position is conserved. In addition, this alteration is predicted to be tolerated by in silico analysis. Based on the available evidence, the clinical significance of this variant remains unclear.

Labcorp Genetics (formerly Invitae), Labcorp
Classification: Uncertain significance. Last evaluated: 2023-11-16. Review status: criteria provided, single submitter. Criteria: Invitae Variant Classification Sherloc (09022015). Collection method: clinical testing. Allele origin: germline.
Comment: This sequence change replaces tyrosine, which is neutral and polar, with histidine, which is basic and polar, at codon 1700 of the ANKRD26 protein (p.Tyr1700His). This variant is not present in population databases (gnomAD no frequency). This variant has not been reported in the literature in individuals affected with ANKRD26-related conditions. Algorithms developed to predict the effect of missense changes on protein structure and function output the following: SIFT: "Not Available"; PolyPhen-2: "Possibly Damaging"; Align-GVGD: "Not Available". The histidine amino acid residue is found in multiple mammalian species, which suggests that this missense change does not adversely affect protein function. In summary, the available evidence is currently insufficient to determine the role of this variant in disease. Therefore, it has been classified as a Variant of Uncertain Significance.

NM_014915.3(ANKRD26):c.5098T>C (p.Tyr1700His)

Gene: ANKRD26 (ankyrin repeat domain 26; minus strand). Cytogenetic location: 10p12.1.
Variant type: single nucleotide variant.
Coding change: c.5098T>C on transcript NM_014915.3 (MANE Select); coding-DNA position 5098, T replaced by C.
Protein change: p.Tyr1700His; replaces tyrosine 1700 with histidine.
Molecular consequence: missense variant.
Genome position (GRCh38, 1-based): chr10:27,005,625, A>G on the plus strand (T>C on the coding strand, the complement: ANKRD26 is on the minus strand). VCF-style: chr10-27005625-A-G. GRCh37 (hg19) VCF-style: chr10-27294554-A-G.
Other names: c.5095T>C, p.Tyr1699His (NM_001256053.2); short protein forms Y1699H, Y1700H.
Identifiers: ClinVar variation 2768151 (VCV002768151.4), dbSNP rs2538456898, ClinGen allele CA376352630.